The following is an entry in ClinVar:

NM_002497.4(NEK2):c.315-3T>C

Gene: NEK2 (NIMA related kinase 2; minus strand). Cytogenetic location: 1q32.3.
Variant type: single nucleotide variant.
Coding change: c.315-3T>C on transcript NM_002497.4 (MANE Select); 3 bases into the intron before coding-DNA position 315, T replaced by C.
Molecular consequence: intron variant.
Genome position (GRCh38, 1-based): chr1:211,673,726, A>G on the plus strand (T>C on the coding strand, the complement: NEK2 is on the minus strand). VCF-style: chr1-211673726-A-G. GRCh37 (hg19) VCF-style: chr1-211847068-A-G.
Other names: c.315-3T>C (NM_001204182.2, NM_001204183.2).
Identifiers: ClinVar variation 1524529 (VCV001524529.6), dbSNP rs1457212695, ClinGen allele CA730984582.

ClinVar aggregate classification (germline): Uncertain significance (1 of 4 stars; one submission).

Submission:

Labcorp Genetics (formerly Invitae), Labcorp
Classification: Uncertain significance. Last evaluated: 2022-06-09. Review status: criteria provided, single submitter. Criteria: Invitae Variant Classification Sherloc (09022015). Collection method: clinical testing. Allele origin: germline.
Comment: In summary, the available evidence is currently insufficient to determine the role of this variant in disease. Therefore, it has been classified as a Variant of Uncertain Significance. Variants that disrupt the consensus splice site are a relatively common cause of aberrant splicing (PMID: 17576681, 9536098). Algorithms developed to predict the effect of sequence changes on RNA splicing suggest that this variant is not likely to affect RNA splicing. This variant has not been reported in the literature in individuals affected with NEK2-related conditions. This variant is not present in population databases (gnomAD no frequency). This sequence change falls in intron 2 of the NEK2 gene. It does not directly change the encoded amino acid sequence of the NEK2 protein. It affects a nucleotide within the consensus splice site.

Literature cited by the submitters: PubMed 17576681; PubMed 9536098.